The following is an entry in ClinVar:

NM_012309.5(SHANK2):c.136G>A (p.Gly46Ser)

Gene: SHANK2 (SH3 and multiple ankyrin repeat domains 2; minus strand). Cytogenetic location: 11q13.4.
Variant type: single nucleotide variant.
Coding change: c.136G>A on transcript NM_012309.5 (MANE Select); coding-DNA position 136, G replaced by A.
Protein change: p.Gly46Ser; replaces glycine 46 with serine.
Molecular consequence: missense variant.
Genome position (GRCh38, 1-based): chr11:71,147,191, C>T on the plus strand (G>A on the coding strand, the complement: SHANK2 is on the minus strand). VCF-style: chr11-71147191-C-T. GRCh37 (hg19) VCF-style: chr11-70858237-C-T.
Other names: short protein forms G46S.
Identifiers: ClinVar variation 305928 (VCV000305928.16), dbSNP rs201642016, ClinGen allele CA6162175.
Genomic context (GRCh38, chr11:71,147,191, plus strand): 5'-GGTCATGGATGACCACGCGGATCACCAGCGTGTTGCCCTGGCTCTCCTCCGTCCTGGCAC[C>T]GCCCGGCTTCTCCGCAGTGGCCCGGATCGTGTCATAGATGGTCTCTTCTTTGGAGCTGTC-3'
Protein context (NP_036441.2, residues 36-56): TIRATAEKPG[Gly46Ser]ARTEESQGNT

ClinVar aggregate classification (germline): Likely benign. Review status: criteria provided, multiple submitters, no conflicts (2 of 4 stars). 3 submissions from 3 submitters: Likely benign (3). Last evaluated 2025-04-01.

Conditions:
Inborn genetic diseases. Identifiers: MedGen C0950123, MeSH D030342.
Intellectual disability. Also called: Intellectual functioning disability; Intellectual developmental disorder; intellectual disabilities. Identifiers: MedGen C3714756, MeSH D008607, MONDO:0001071, HP:0001249.

Allele frequency attached by ClinVar (database versions not stated): gnomAD 0.00028 and 0.00031; gnomAD exomes 0.00037 and 0.00048; ExAC 0.00040; TOPMed 0.00045.
gnomAD v4.1: 720 of 1,550,622 alleles (0.046%); highest among the groups gnomAD compares: Admixed American, 0.1%; no homozygotes.

Submissions (3):

CeGaT Center for Human Genetics Tuebingen
Classification: Likely benign. Last evaluated: 2025-04-01. Review status: criteria provided, single submitter. Criteria: CeGaT Center For Human Genetics Tuebingen Variant Classification Criteria Version 2. Collection method: clinical testing. Allele origin: germline. Affected: yes. Observed: 1 variant allele.
Comment: SHANK2: BP4, BS1

Ambry Genetics
Classification: Likely benign for Inborn genetic diseases. Last evaluated: 2021-10-21. Review status: criteria provided, single submitter. Criteria: Ambry Variant Classification Scheme 2023. Collection method: clinical testing. Allele origin: germline.

Cambridge Genomics Laboratory, East Genomic Laboratory Hub, NHS Genomic Medicine Service
Classification: Likely benign for Intellectual disability. Last evaluated: 2019-12-30. Review status: criteria provided, single submitter. Criteria: ACGS Best Practice Guidelines for Variant Classification in Rare Disease 2020. Collection method: clinical testing. Allele origin: germline. Affected: yes. Observed: 1 variant allele.